The following is an entry in ClinVar:

ClinVar aggregate classification (germline): Conflicting classifications of pathogenicity. Review status: criteria provided, conflicting classifications (1 of 4 stars). 2 submissions from 2 submitters: Uncertain significance (1); Likely benign (1). Last evaluated 2024-06-05.

Conditions:
Hereditary cancer-predisposing syndrome. Also called: Hereditary neoplastic syndrome; Neoplastic Syndromes, Hereditary; Tumor predisposition; Hereditary Cancer Syndrome. Identifiers: Orphanet 140162, MedGen C0027672, MeSH D009386, MONDO:0015356.
Fanconi anemia complementation group J. Also called: BRIP1-Related Fanconi Anemia. Identifiers: Orphanet 84, MedGen C1836860, MONDO:0012187, OMIM 609054.
Familial cancer of breast. Also called: BREAST CANCER, FAMILIAL; Hereditary breast cancer; hereditary breast carcinoma. Identifiers: Orphanet 227535, MedGen C0346153, MONDO:0016419, OMIM 114480. Disease mechanism: loss of function.

Submissions (2):

Labcorp Genetics (formerly Invitae), Labcorp
Classification: Uncertain significance for Familial cancer of breast; Fanconi anemia complementation group J. Last evaluated: 2024-06-05. Review status: criteria provided, single submitter. Criteria: Invitae Variant Classification Sherloc (09022015). Collection method: clinical testing. Allele origin: germline.
Comment: This sequence change replaces asparagine, which is neutral and polar, with serine, which is neutral and polar, at codon 471 of the BRIP1 protein (p.Asn471Ser). This variant is not present in population databases (gnomAD no frequency). This variant has not been reported in the literature in individuals affected with BRIP1-related conditions. ClinVar contains an entry for this variant (Variation ID: 483156). Advanced modeling of protein sequence and biophysical properties (such as structural, functional, and spatial information, amino acid conservation, physicochemical variation, residue mobility, and thermodynamic stability) performed at Invitae indicates that this missense variant is not expected to disrupt BRIP1 protein function with a negative predictive value of 80%. In summary, the available evidence is currently insufficient to determine the role of this variant in disease. Therefore, it has been classified as a Variant of Uncertain Significance.

Ambry Genetics
Classification: Likely benign for Hereditary cancer-predisposing syndrome. Last evaluated: 2016-05-26. Review status: criteria provided, single submitter. Criteria: Ambry Variant Classification Scheme 2023. Collection method: clinical testing. Allele origin: germline.

NM_032043.3(BRIP1):c.1412A>G (p.Asn471Ser)

Gene: BRIP1 (BRCA1 interacting DNA helicase 1; minus strand). Cytogenetic location: 17q23.2.
Variant type: single nucleotide variant.
Coding change: c.1412A>G on transcript NM_032043.3 (MANE Select); coding-DNA position 1412, A replaced by G.
Protein change: p.Asn471Ser; replaces asparagine 471 with serine.
Molecular consequence: missense variant.
Genome position (GRCh38, 1-based): chr17:61,793,658, T>C on the plus strand (A>G on the coding strand, the complement: BRIP1 is on the minus strand). VCF-style: chr17-61793658-T-C. GRCh37 (hg19) VCF-style: chr17-59871019-T-C.
Other names: short protein forms N471S.
Identifiers: ClinVar variation 483156 (VCV000483156.13), dbSNP rs1555605906, ClinGen allele CA400482165.